The following is an entry in ClinVar:

ClinVar aggregate classification (germline): Uncertain significance (1 of 4 stars; one submission).

gnomAD v4.1: 8 of 1,614,044 alleles (0.0005%); highest among the groups gnomAD compares: Non-Finnish European, 0.00059%; no homozygotes.

Submission:

Mayo Clinic Laboratories, Mayo Clinic
Classification: Uncertain significance. Last evaluated: 2024-10-22. Review status: criteria provided, single submitter. Criteria: ACMG Guidelines, 2015. Collection method: clinical testing. Allele origin: germline. Observed: 1 variant allele.
Comment: BP4, PM2_supporting

NM_000324.3(RHAG):c.592C>G (p.His198Asp)

Gene: RHAG (Rh associated glycoprotein; minus strand). Cytogenetic location: 6p12.3.
Variant type: single nucleotide variant.
Coding change: c.592C>G on transcript NM_000324.3 (MANE Select); coding-DNA position 592, C replaced by G.
Protein change: p.His198Asp; replaces histidine 198 with aspartic acid.
Molecular consequence: missense variant.
Genome position (GRCh38, 1-based): chr6:49,615,672, G>C on the plus strand (C>G on the coding strand, the complement: RHAG is on the minus strand). VCF-style: chr6-49615672-G-C. GRCh37 (hg19) VCF-style: chr6-49583385-G-C.
Other names: p.His198Asp; short protein forms H198D.
Identifiers: ClinVar variation 4541163 (VCV004541163.1).